The following is an entry in ClinVar:

NM_144997.7(FLCN):c.1067T>C (p.Leu356Pro)

Gene: FLCN (folliculin; minus strand). Cytogenetic location: 17p11.2.
Variant type: single nucleotide variant.
Coding change: c.1067T>C on transcript NM_144997.7 (MANE Select); coding-DNA position 1067, T replaced by C.
Protein change: p.Leu356Pro; replaces leucine 356 with proline.
Molecular consequence: missense variant.
Genome position (GRCh38, 1-based): chr17:17,217,178, A>G on the plus strand (T>C on the coding strand, the complement: FLCN is on the minus strand). VCF-style: chr17-17217178-A-G. GRCh37 (hg19) VCF-style: chr17-17120492-A-G.
Other names: c.1067T>C, p.Leu356Pro (NM_001353231.2, NM_001353230.2); c.1121T>C, p.Leu374Pro (NM_001353229.2); c.1067T>C (LRG_325t1, NM_144997.6); short protein forms L356P, L374P.
Identifiers: ClinVar variation 253243 (VCV000253243.3), dbSNP rs879255671, ClinGen allele CA10586260.

ClinVar aggregate classification (germline): Uncertain significance. Review status: criteria provided, multiple submitters, no conflicts (2 of 4 stars). 2 submissions from 2 submitters: Uncertain significance (2). Last evaluated 2023-06-02.

Conditions:
Birt-Hogg-Dube syndrome. Also called: Birt Hogg Dubé syndrome. Identifiers: Orphanet 122, MedGen C0346010, MONDO:0800444.

Submissions (2):

Quest Diagnostics Nichols Institute San Juan Capistrano
Classification: Uncertain significance. Last evaluated: 2023-06-02. Review status: criteria provided, single submitter. Criteria: Quest Diagnostics criteria. Collection method: clinical testing. Allele origin: unknown.
Comment: In the published literature, this variant has been reported in an individual with Birt-Hogg-Dubé syndrome (PMID: 28558743 (2017)). This variant has not been reported in large, multi-ethnic general populations (Genome Aggregation Database). Analysis of this variant using bioinformatics tools for the prediction of the effect of amino acid changes on protein structure and function yielded predictions that this variant is damaging. Based on the available information, we are unable to determine the clinical significance of this variant.

Genomic Diagnostic Laboratory, Division of Genomic Diagnostics, Children's Hospital of Philadelphia
Classification: Uncertain significance for Birt-Hogg-Dube Syndrome. Last evaluated: 2016-07-18. Review status: criteria provided, single submitter. Criteria: DGD Variant Analysis Guidelines. Collection method: clinical testing. Allele origin: germline. Affected: yes. Observed: 4 variant alleles.
Comment: Clinical Testing

Literature cited by the submitters: PubMed 28558743 (cited by Quest Diagnostics Nichols Institute San Juan Capistrano); PubMed 29357828 (cited by Quest Diagnostics Nichols Institute San Juan Capistrano); PubMed 33313181 (cited by Quest Diagnostics Nichols Institute San Juan Capistrano).